The following is an entry in ClinVar:

NM_014806.5(RUSC2):c.4220C>T (p.Ser1407Leu)

Gene: RUSC2 (RUN and SH3 domain containing 2; plus strand). Cytogenetic location: 9p13.3.
Variant type: single nucleotide variant.
Coding change: c.4220C>T on transcript NM_014806.5 (MANE Select); coding-DNA position 4220, C replaced by T.
Protein change: p.Ser1407Leu; replaces serine 1407 with leucine.
Molecular consequence: missense variant. On other transcripts: non-coding transcript variant (1).
Genome position (GRCh38, 1-based): chr9:35,560,968, C>T. VCF-style: chr9-35560968-C-T. GRCh37 (hg19) VCF-style: chr9-35560965-C-T.
Other names: c.4220C>T, p.Ser1407Leu (NM_001135999.2); c.1586C>T, p.Ser529Leu (NM_001330740.2); c.4220C>T (NM_001135999.1); short protein forms S529L, S1407L.
Identifiers: ClinVar variation 2066144 (VCV002066144.4), dbSNP rs764733534, ClinGen allele CA5044330.

ClinVar aggregate classification (germline): Uncertain significance. Review status: criteria provided, multiple submitters, no conflicts (2 of 4 stars). 2 submissions from 2 submitters: Uncertain significance (2). Last evaluated 2023-06-06.

Allele frequency attached by ClinVar (database versions not stated): ExAC 0.00001; gnomAD exomes 0.00002; TOPMed 0.00002.
gnomAD v4.1: 36 of 1,613,904 alleles (0.0022%); highest among the groups gnomAD compares: East Asian, 0.0045%; no homozygotes.

Submissions (2):

Ambry Genetics
Classification: Uncertain significance. Last evaluated: 2023-06-06. Review status: criteria provided, single submitter. Criteria: Ambry Variant Classification Scheme 2023. Collection method: clinical testing. Allele origin: germline.

Labcorp Genetics (formerly Invitae), Labcorp
Classification: Uncertain significance. Last evaluated: 2022-07-09. Review status: criteria provided, single submitter. Criteria: Invitae Variant Classification Sherloc (09022015). Collection method: clinical testing. Allele origin: germline.
Comment: Algorithms developed to predict the effect of missense changes on protein structure and function are either unavailable or do not agree on the potential impact of this missense change (SIFT: "Deleterious"; PolyPhen-2: "Probably Damaging"; Align-GVGD: "Class C0"). In summary, the available evidence is currently insufficient to determine the role of this variant in disease. Therefore, it has been classified as a Variant of Uncertain Significance. This variant has not been reported in the literature in individuals affected with RUSC2-related conditions. This variant is present in population databases (rs764733534, gnomAD 0.002%). This sequence change replaces serine, which is neutral and polar, with leucine, which is neutral and non-polar, at codon 1407 of the RUSC2 protein (p.Ser1407Leu).